The following is an entry in ClinVar:

ClinVar aggregate classification (germline): Likely benign. Review status: criteria provided, multiple submitters, no conflicts (2 of 4 stars). 3 submissions from 3 submitters: Likely benign (3). Last evaluated 2026-06-01.

Conditions:
Cardiovascular phenotype. Identifiers: MedGen CN230736.
Autosomal recessive limb-girdle muscular dystrophy type 2J (LGMDR10). Also called: Limb-girdle muscular dystrophy, type 2J; MUSCULAR DYSTROPHY, LIMB-GIRDLE, AUTOSOMAL RECESSIVE 10. Identifiers: Orphanet 140922, MedGen C1837342, MONDO:0012127, OMIM 608807.
Dilated cardiomyopathy 1G (CMD1G). Identifiers: Orphanet 154, MedGen C1858763, MONDO:0011400, OMIM 604145.

Allele frequency attached by ClinVar (database versions not stated): gnomAD exomes 0.00002 and 0.00005; TOPMed 0.00003; gnomAD 0.00004; ExAC 0.00005.
gnomAD v4.1: 33 of 1,608,650 alleles (0.0021%); highest among the groups gnomAD compares: East Asian, 0.013%; no homozygotes.

Submissions (3):

CeGaT Center for Human Genetics Tuebingen
Classification: Likely benign. Last evaluated: 2026-06-01. Review status: criteria provided, single submitter. Criteria: CeGaT Center For Human Genetics Tuebingen Variant Classification Criteria Version 2. Collection method: clinical testing. Allele origin: germline. Affected: yes. Observed: 2 variant alleles.
Comment: TTN: BP4, BP7

Labcorp Genetics (formerly Invitae), Labcorp
Classification: Likely benign for Dilated cardiomyopathy 1G; Autosomal recessive limb-girdle muscular dystrophy type 2J. Last evaluated: 2025-10-13. Review status: criteria provided, single submitter. Criteria: Invitae Variant Classification Sherloc (09022015). Collection method: clinical testing. Allele origin: germline.

Ambry Genetics
Classification: Likely benign for Cardiovascular phenotype. Last evaluated: 2023-10-06. Review status: criteria provided, single submitter. Criteria: Ambry Variant Classification Scheme 2023. Collection method: clinical testing. Allele origin: germline.

NM_001267550.2(TTN):c.43638C>T (p.Asp14546=)

Gene: TTN (titin; minus strand). Cytogenetic location: 2q31.2.
Variant type: single nucleotide variant.
Coding change: c.43638C>T on transcript NM_001267550.2 (MANE Select); coding-DNA position 43638, C replaced by T.
Protein change: p.Asp14546=; no amino-acid change (aspartic acid 14546 retained).
Molecular consequence: synonymous variant.
Genome position (GRCh38, 1-based): chr2:178,632,256, G>A on the plus strand (C>T on the coding strand, the complement: TTN is on the minus strand). VCF-style: chr2-178632256-G-A. GRCh37 (hg19) VCF-style: chr2-179496983-G-A.
Other names: c.38715C>T, p.Asp12905= (NM_001256850.1); c.16443C>T, p.Asp5481= (NM_003319.4); c.35934C>T, p.Asp11978= (NM_133378.4); c.16818C>T, p.Asp5606= (NM_133432.3); c.17019C>T, p.Asp5673= (NM_133437.4).
Identifiers: ClinVar variation 702976 (VCV000702976.13), dbSNP rs764977967, ClinGen allele CA1995827.